The following is an entry in ClinVar:

ClinVar aggregate classification (germline): Uncertain significance (1 of 4 stars; one submission).

Conditions:
Oto-palato-digital syndrome, type II (OPD2). Also called: Otopalatodigital Syndrome Type 2 (FLNA-OPD2); FACIOPALATOOSSEOUS SYNDROME; OPD II SYNDROME; Otopalatodigital Syndrome, Type II. Identifiers: Orphanet 669, Orphanet 90652, MedGen C1844696, MONDO:0010571, OMIM 304120.
Heterotopia, periventricular, X-linked dominant (PVNH1). Also called: PERIVENTRICULAR NODULAR HETEROTOPIA 1; X-linked periventricular heterotopia; PERIVENTRICULAR NODULAR HETEROTOPIA 4; HETEROTOPIA, PERIVENTRICULAR, 1. Identifiers: Orphanet 2149, Orphanet 82004, MedGen C1848213, MONDO:0010233, OMIM 300049.
Melnick-Needles syndrome (MNS). Also called: Melnick-Needles Syndrome (FLNA-MNS); MELNICK-NEEDLES OSTEODYSPLASTY; OSTEODYSPLASTY OF MELNICK AND NEEDLES. Identifiers: Orphanet 2484, MedGen C0025237, MONDO:0010650, OMIM 309350.
Frontometaphyseal dysplasia (FMD1). Identifiers: Orphanet 1826, MedGen C0265293, MONDO:0015942.

Submission:

Labcorp Genetics (formerly Invitae), Labcorp
Classification: Uncertain significance for Oto-palato-digital syndrome, type II; Heterotopia, periventricular, X-linked dominant; Frontometaphyseal dysplasia; Melnick-Needles syndrome. Last evaluated: 2023-12-31. Review status: criteria provided, single submitter. Criteria: Invitae Variant Classification Sherloc (09022015). Collection method: clinical testing. Allele origin: germline.
Comment: This sequence change replaces aspartic acid, which is acidic and polar, with histidine, which is basic and polar, at codon 1776 of the FLNA protein (p.Asp1776His). This variant is not present in population databases (gnomAD no frequency). This variant has not been reported in the literature in individuals affected with FLNA-related conditions. Advanced modeling of protein sequence and biophysical properties (such as structural, functional, and spatial information, amino acid conservation, physicochemical variation, residue mobility, and thermodynamic stability) performed at Invitae indicates that this missense variant is not expected to disrupt FLNA protein function with a negative predictive value of 95%. In summary, the available evidence is currently insufficient to determine the role of this variant in disease. Therefore, it has been classified as a Variant of Uncertain Significance.

NM_001110556.2(FLNA):c.5350G>C (p.Asp1784His)

Gene: FLNA (filamin A; minus strand). Cytogenetic location: Xq28.
Variant type: single nucleotide variant.
Coding change: c.5350G>C on transcript NM_001110556.2 (MANE Select); coding-DNA position 5350, G replaced by C.
Protein change: p.Asp1784His; replaces aspartic acid 1784 with histidine.
Molecular consequence: missense variant.
Genome position (GRCh38, 1-based): chrX:154,354,447, C>G on the plus strand (G>C on the coding strand, the complement: FLNA is on the minus strand). VCF-style: chrX-154354447-C-G. GRCh37 (hg19) VCF-style: chrX-153582815-C-G.
Other names: c.5326G>C, p.Asp1776His (NM_001456.4); short protein forms D1784H, D1776H.
Identifiers: ClinVar variation 2921850 (VCV002921850.3), dbSNP rs2522726975, ClinGen allele CA415205657.